The following is an entry in ClinVar:

ClinVar aggregate classification (germline): Benign. Review status: criteria provided, single submitter (1 of 4 stars). 2 submissions from 1 submitter: Benign (2). Last evaluated 2018-01-13.

Conditions:
Tumoral calcinosis, hyperphosphatemic, familial, 2. Identifiers: MedGen C4693863, MONDO:0060714, OMIM 617993.
Autosomal dominant hypophosphatemic rickets (ADHR). Also called: HYPOPHOSPHATEMIA, AUTOSOMAL DOMINANT; VITAMIN D-RESISTANT RICKETS, AUTOSOMAL DOMINANT. Identifiers: Orphanet 89937, MedGen C0342642, MONDO:0008660, OMIM 193100.

Allele frequency attached by ClinVar (database versions not stated): gnomAD exomes 0.00072; gnomAD 0.00364 and 0.00387; TOPMed 0.00439; 1000 Genomes Project 0.00579; 1000 Genomes Project 30x 0.00593.

Submissions (2):

Illumina Laboratory Services, Illumina
Classification: Benign for Tumoral calcinosis, hyperphosphatemic, familial, 2. Last evaluated: 2018-01-13. Review status: criteria provided, single submitter. Criteria: ICSL Variant Classification Criteria 13 December 2019. Collection method: clinical testing. Allele origin: germline.
Comment: This variant was observed in the ICSL laboratory as part of a predisposition screen in an ostensibly healthy population. It had not been previously curated by ICSL or reported in the Human Gene Mutation Database (HGMD: prior to June 1st, 2018), and was therefore a candidate for classification through an automated scoring system. Utilizing variant allele frequency, disease prevalence and penetrance estimates, and inheritance mode, an automated score was calculated to assess if this variant is too frequent to cause the disease. Based on the score and internal cut-off values, a variant classified as benign is not then subjected to further curation. The score for this variant resulted in a classification of benign for this disease.

Illumina Laboratory Services, Illumina
Classification: Benign for Autosomal dominant hypophosphatemic rickets. Last evaluated: 2018-01-13. Review status: criteria provided, single submitter. Criteria: ICSL Variant Classification Criteria 13 December 2019. Collection method: clinical testing. Allele origin: germline.
Comment: the same text as in the submission from Illumina Laboratory Services, Illumina above.

NM_020638.3(FGF23):c.*1219C>T

Gene: FGF23 (fibroblast growth factor 23; minus strand). Cytogenetic location: 12p13.32.
Variant type: single nucleotide variant.
Coding change: c.*1219C>T on transcript NM_020638.3 (MANE Select); 1219 bases downstream of the stop codon, C replaced by T.
Molecular consequence: 3 prime UTR variant.
Genome position (GRCh38, 1-based): chr12:4,369,124, G>A on the plus strand (C>T on the coding strand, the complement: FGF23 is on the minus strand). VCF-style: chr12-4369124-G-A. GRCh37 (hg19) VCF-style: chr12-4478290-G-A.
Identifiers: ClinVar variation 882048 (VCV000882048.4), dbSNP rs115582772, ClinGen allele CA231756564.
Genomic context (GRCh38, chr12:4,369,124, plus strand): 5'-AATGGGGTAAGGCTTCATTTAATGCACCAAGAATTTCCAAGGGGATTGAGACCCAGATGT[G>A]TCAGCCTAGGAGAGTTTTAACTAATCGAAGAGCCACTGCTGCTGCAGAGCCCTAGAGACC-3'